The following is an entry in ClinVar:

NM_004036.5(ADCY3):c.2441T>C (p.Met814Thr)

Gene: ADCY3 (adenylate cyclase 3; minus strand). Cytogenetic location: 2p23.3.
Variant type: single nucleotide variant.
Coding change: c.2441T>C on transcript NM_004036.5 (MANE Select); coding-DNA position 2441, T replaced by C.
Protein change: p.Met814Thr; replaces methionine 814 with threonine.
Molecular consequence: missense variant. On other transcripts: intron variant (1).
Genome position (GRCh38, 1-based): chr2:24,827,600, A>G on the plus strand (T>C on the coding strand, the complement: ADCY3 is on the minus strand). VCF-style: chr2-24827600-A-G. GRCh37 (hg19) VCF-style: chr2-25050469-A-G.
Other names: c.2441T>C, p.Met814Thr (NM_001320613.2, NM_001377132.1); c.2507T>C, p.Met836Thr (NM_001377128.1); c.2303T>C, p.Met768Thr (NM_001377129.1); c.1718T>C, p.Met573Thr (NM_001377131.1); c.2173-3064T>C (NM_001377130.1); short protein forms M814T, M573T, M836T, M768T.
Identifiers: ClinVar variation 4981930 (VCV004981930.1).

ClinVar aggregate classification (germline): Uncertain significance (1 of 4 stars; one submission).

Conditions:
ADCY3-related disorder. Also called: ADCY3-related condition.

gnomAD v4.1: 1 of 1,586,870 alleles (0.000063%); highest among the groups gnomAD compares: South Asian, 0.0011%; no homozygotes.

Submission:

PreventionGenetics, part of Exact Sciences
Classification: Uncertain significance for ADCY3-related condition. Last evaluated: 2025-04-02. Review status: criteria provided, single submitter. Criteria: ACMG Guidelines, 2015. Collection method: clinical testing. Allele origin: germline.
Comment: The ADCY3 c.2441T>C variant is predicted to result in the amino acid substitution p.Met814Thr. To our knowledge, this variant has not been reported in the literature. This variant is reported in 0.0038% of alleles in individuals of South Asian descent in gnomAD. At this time, the clinical significance of this variant is uncertain due to the absence of conclusive functional and genetic evidence.